The following is an entry in ClinVar:

ClinVar aggregate classification (germline): Pathogenic/Likely pathogenic. Review status: criteria provided, multiple submitters, no conflicts (2 of 4 stars). 6 submissions from 6 submitters: Pathogenic (4); Likely pathogenic (1). 1 of the submissions does not count toward it. Last evaluated 2025-12-21.

Conditions:
Salla disease (SD). Also called: Less Severe FSASD (Salla Disease); Sialuria, Finnish type; N-acetylneuraminic acid (NANA) storage disease (NSD); Infantile sialic acid storage disorder (ISSD). Identifiers: Orphanet 309334, Orphanet 834, MedGen C1096903, MONDO:0011449, OMIM 604369.

Allele frequency attached by ClinVar (database versions not stated): gnomAD exomes 0.00005; TOPMed 0.00001; ExAC 0.00010.

Submissions (6):

Labcorp Genetics (formerly Invitae), Labcorp
Classification: Pathogenic for Salla disease. Last evaluated: 2025-12-21. Review status: criteria provided, single submitter. Criteria: Invitae Variant Classification Sherloc (09022015). Collection method: clinical testing. Allele origin: germline.
Comment: This sequence change creates a premature translational stop signal (p.Trp240*) in the SLC17A5 gene. It is expected to result in an absent or disrupted protein product. Loss-of-function variants in SLC17A5 are known to be pathogenic (PMID: 10581036, 10947946, 15172001). This variant is present in population databases (rs386833993, gnomAD 0.01%). This premature translational stop signal has been observed in individual(s) with sialic acid-storage disease (PMID: 10947946). ClinVar contains an entry for this variant (Variation ID: 56557). For these reasons, this variant has been classified as Pathogenic.

Natera, Inc.
Classification: Pathogenic for Salla disease. Last evaluated: 2025-11-14. Review status: criteria provided, single submitter. Criteria: Natera Variant Classification Schema (03/2026). Collection method: clinical testing. Allele origin: germline.
Comment: The c.719G>A variant in SLC17A5 is a nonsense variant predicted to introduce a stop codon at amino acid 240. This variant is expected to result in nonsense mediated decay, truncation, or a dysfunctional protein product. This variant is rare in the general population with a frequency below the threshold expected for the associated phenotype(s). This variant has been observed in one or more individuals affected with the associated recessive disease, as either homozygous or compound heterozygous with a second variant (PMID: 10947946). Given the available evidence, this variant is classified as Pathogenic.

Baylor Genetics
Classification: Pathogenic for Salla disease. Last evaluated: 2024-02-28. Review status: criteria provided, single submitter. Criteria: ACMG Guidelines, 2015. Collection method: clinical testing. Allele origin: unknown.

Genome-Nilou Lab
Classification: Pathogenic for Salla disease. Last evaluated: 2021-09-05. Review status: criteria provided, single submitter. Criteria: ACMG Guidelines, 2015. Collection method: clinical testing. Allele origin: germline. Affected: no.

Women's Health and Genetics/Laboratory Corporation of America, LabCorp
Classification: Likely pathogenic for Salla disease. Last evaluated: 2017-11-27. Review status: criteria provided, single submitter. Criteria: LabCorp Variant Classification Summary - May 2015. Collection method: clinical testing. Allele origin: germline.
Comment: Variant summary: The SLC17A5 c.719G>A (p.Trp240X) variant results in a premature termination codon, predicted to cause a truncated or absent SLC17A5 protein due to nonsense mediated decay, which are commonly known mechanisms for disease. One in silico tool predicts a damaging outcome for this variant. This variant was found in 13/237362 control chromosomes at a frequency of 0.0000548, which does not exceed the estimated maximal expected allele frequency of a pathogenic SLC17A5 variant (0.0023717). The variant has been reported in at least one affected individual in the literature (Aula_2000). In addition, one clinical diagnostic laboratory/reputable database classified this variant as likely pathogenic. Taken together, this variant is classified as likely pathogenic.

Juha Muilu Group; Institute for Molecular Medicine Finland (FIMM)
Classification: Likely pathogenic for Salla disease. Review status: no assertion criteria provided. Collection method: not provided. Allele origin: unknown. Not counted in ClinVar's aggregate classification.
Comment: FinDis database variant: This variant was not found or characterized by our laboratory, data were collected from public sources: see reference
ClinVar note: Converted during submission from probable-pathogenic to Likely pathogenic.

Literature cited by the submitters: PubMed 10581036 (cited by Labcorp Genetics (formerly Invitae), Labcorp); PubMed 10947946 (cited by 3 submitters); PubMed 15172001 (cited by Labcorp Genetics (formerly Invitae), Labcorp).

NM_012434.5(SLC17A5):c.719G>A (p.Trp240Ter)

Gene: SLC17A5 (solute carrier family 17 member 5; minus strand). Cytogenetic location: 6q13.
Variant type: single nucleotide variant.
Coding change: c.719G>A on transcript NM_012434.5 (MANE Select); coding-DNA position 719, G replaced by A.
Protein change: p.Trp240Ter; replaces tryptophan 240 with a stop codon.
Molecular consequence: nonsense.
Genome position (GRCh38, 1-based): chr6:73,635,482, C>T on the plus strand (G>A on the coding strand, the complement: SLC17A5 is on the minus strand). VCF-style: chr6-73635482-C-T. GRCh37 (hg19) VCF-style: chr6-74345205-C-T.
Other names: short protein forms W240*.
Identifiers: ClinVar variation 56557 (VCV000056557.14), dbSNP rs386833993, ClinGen allele CA263928.